The following is an entry in ClinVar:

NM_006734.4(HIVEP2):c.4481A>G (p.Gln1494Arg)

Gene: HIVEP2 (HIVEP zinc finger 2; minus strand). Cytogenetic location: 6q24.2.
Variant type: single nucleotide variant.
Coding change: c.4481A>G on transcript NM_006734.4 (MANE Select); coding-DNA position 4481, A replaced by G.
Protein change: p.Gln1494Arg; replaces glutamine 1494 with arginine.
Molecular consequence: missense variant.
Genome position (GRCh38, 1-based): chr6:142,770,258, T>C on the plus strand (A>G on the coding strand, the complement: HIVEP2 is on the minus strand). VCF-style: chr6-142770258-T-C. GRCh37 (hg19) VCF-style: chr6-143091395-T-C.
Other names: c.4481A>G, p.Gln1494Arg (NM_001438449.1, NM_001438450.1, NM_001438451.1); short protein forms Q1494R.
Identifiers: ClinVar variation 4743858 (VCV004743858.1).
Genomic context (GRCh38, chr6:142,770,258, plus strand): 5'-GAAGATGACCCTGACTGCAAGCCATCTTTTGGCTCAGAAGCACATCCTTGTCGAACCAGC[T>C]GGGGTTTCTGGGGGCGGGAGAGGTCCTTTTTGATGTCTGAGTTGGTCAGCTCCACAGCAC-3'
Protein context (NP_006725.3, residues 1484-1504): KKDLSRPQKP[Gln1494Arg]LVRQGCASEP

ClinVar aggregate classification (germline): Uncertain significance (1 of 4 stars; one submission).

Submission:

Labcorp Genetics (formerly Invitae), Labcorp
Classification: Uncertain significance. Last evaluated: 2026-01-21. Review status: criteria provided, single submitter. Criteria: Invitae Variant Classification Sherloc (09022015). Collection method: clinical testing. Allele origin: germline.
Comment: This sequence change replaces glutamine, which is neutral and polar, with arginine, which is basic and polar, at codon 1494 of the HIVEP2 protein (p.Gln1494Arg). This variant is not present in population databases (gnomAD no frequency). This variant has not been reported in the literature in individuals affected with HIVEP2-related conditions. Invitae Evidence Modeling of protein sequence and biophysical properties (such as structural, functional, and spatial information, amino acid conservation, physicochemical variation, residue mobility, and thermodynamic stability) has been performed for this missense variant. However, the output from this modeling did not meet the statistical confidence thresholds required to predict the impact of this variant on HIVEP2 protein function. In summary, the available evidence is currently insufficient to determine the role of this variant in disease. Therefore, it has been classified as a Variant of Uncertain Significance.